The following is an entry in ClinVar:

NM_001126108.2(SLC12A3):c.2850A>C (p.Arg950Ser)

Gene: SLC12A3 (solute carrier family 12 member 3; plus strand). Cytogenetic location: 16q13.
Variant type: single nucleotide variant.
Coding change: c.2850A>C on transcript NM_001126108.2 (MANE Select); coding-DNA position 2850, A replaced by C.
Protein change: p.Arg950Ser; replaces arginine 950 with serine.
Molecular consequence: missense variant.
Genome position (GRCh38, 1-based): chr16:56,902,502, A>C. VCF-style: chr16-56902502-A-C. GRCh37 (hg19) VCF-style: chr16-56936414-A-C.
Other names: c.2877A>C, p.Arg959Ser (NM_000339.3); c.2874A>C, p.Arg958Ser (NM_001126107.2); c.2847A>C, p.Arg949Ser (NM_001410896.1); short protein forms R949S, R959S, R950S, R958S.
Identifiers: ClinVar variation 2039480 (VCV002039480.3), dbSNP rs202082198, ClinGen allele CA8070075.
Genomic context (GRCh38, chr16:56,902,502, plus strand): 5'-CAACGAGATGCGGCGGGACTGCCCCTGGAAGATCTCAGATGAGGAGATTACGAAGAACAG[A>C]GTCAAGGTGCAGAGAGGGGTGGGGGTGGGAAACGCGACACATCACTGGGTCAGGGACGGG-3'
Protein context (NP_001119580.2, residues 940-960): KISDEEITKN[Arg950Ser]VKSLRQVRLN

ClinVar aggregate classification (germline): Uncertain significance. Review status: criteria provided, multiple submitters, no conflicts (2 of 4 stars). 3 submissions from 3 submitters: Uncertain significance (3). Last evaluated 2024-01-08.

Conditions:
Inborn genetic diseases. Identifiers: MedGen C0950123, MeSH D030342.
Familial hypokalemia-hypomagnesemia (GTLMNS). Also called: gitelman syndrome; HYPOMAGNESEMIA-HYPOKALEMIA, PRIMARY RENOTUBULAR, WITH HYPOCALCIURIA; POTASSIUM AND MAGNESIUM DEPLETION. Identifiers: Orphanet 358, MedGen C0268450, MONDO:0009904, OMIM 263800.

Allele frequency attached by ClinVar (database versions not stated): gnomAD 0.00006; ExAC 0.00002; gnomAD exomes 0.00022.
gnomAD v4.1: 175 of 887,268 alleles (0.02%); highest among the groups gnomAD compares: Non-Finnish European, 0.028%; no homozygotes.

Submissions (3):

Fulgent Genetics
Classification: Uncertain significance for Familial hypokalemia-hypomagnesemia. Last evaluated: 2024-01-08. Review status: criteria provided, single submitter. Criteria: ACMG Guidelines, 2015. Collection method: clinical testing. Allele origin: germline.

Ambry Genetics
Classification: Uncertain significance for Inborn genetic diseases. Last evaluated: 2022-10-12. Review status: criteria provided, single submitter. Criteria: Ambry Variant Classification Scheme 2023. Collection method: clinical testing. Allele origin: germline.

Labcorp Genetics (formerly Invitae), Labcorp
Classification: Uncertain significance. Last evaluated: 2022-05-19. Review status: criteria provided, single submitter. Criteria: Invitae Variant Classification Sherloc (09022015). Collection method: clinical testing. Allele origin: germline.
Comment: This sequence change replaces arginine, which is basic and polar, with serine, which is neutral and polar, at codon 959 of the SLC12A3 protein (p.Arg959Ser). This variant is present in population databases (rs202082198, gnomAD 0.005%). This variant has not been reported in the literature in individuals affected with SLC12A3-related conditions. Advanced modeling of protein sequence and biophysical properties (such as structural, functional, and spatial information, amino acid conservation, physicochemical variation, residue mobility, and thermodynamic stability) performed at Invitae indicates that this missense variant is not expected to disrupt SLC12A3 protein function. In summary, the available evidence is currently insufficient to determine the role of this variant in disease. Therefore, it has been classified as a Variant of Uncertain Significance.